The following is an entry in ClinVar:

NM_002948.5(RPL15):c.151C>G (p.Leu51Val)

Genes: NKIRAS1 (NFKB inhibitor interacting Ras like 1; minus strand), RPL15 (ribosomal protein L15; plus strand). Cytogenetic location: 3p24.2.
Variant type: single nucleotide variant.
Coding change: c.151C>G on transcript NM_002948.5 (MANE Select); coding-DNA position 151, C replaced by G.
Protein change: p.Leu51Val; replaces leucine 51 with valine.
Molecular consequence: missense variant. On other transcripts: intron variant (1).
Genome position (GRCh38, 1-based): chr3:23,918,010, C>G. VCF-style: chr3-23918010-C-G. GRCh37 (hg19) VCF-style: chr3-23959501-C-G.
Other names: c.151C>G, p.Leu51Val (NM_001253379.2, NM_001253380.2, NM_001253382.2 and 2 more transcripts); c.-139-6560G>C (NM_001377380.1); short protein forms L51V.
Identifiers: ClinVar variation 2725412 (VCV002725412.3), dbSNP rs2471215376, ClinGen allele CA351881482.

ClinVar aggregate classification (germline): Uncertain significance (1 of 4 stars; one submission).

Submission:

Labcorp Genetics (formerly Invitae), Labcorp
Classification: Uncertain significance. Last evaluated: 2023-06-23. Review status: criteria provided, single submitter. Criteria: Invitae Variant Classification Sherloc (09022015). Collection method: clinical testing. Allele origin: germline.
Comment: An algorithm developed to predict the effect of missense changes on protein structure and function (PolyPhen-2) suggests that this variant is likely to be disruptive. This sequence change replaces leucine, which is neutral and non-polar, with valine, which is neutral and non-polar, at codon 51 of the RPL15 protein (p.Leu51Val). This variant is not present in population databases (gnomAD no frequency). This variant has not been reported in the literature in individuals affected with RPL15-related conditions. In summary, the available evidence is currently insufficient to determine the role of this variant in disease. Therefore, it has been classified as a Variant of Uncertain Significance.